The following is an entry in ClinVar:

ClinVar aggregate classification (germline): Uncertain significance. Review status: criteria provided, multiple submitters, no conflicts (2 of 4 stars). 4 submissions from 4 submitters: Uncertain significance (4). Last evaluated 2025-12-05.

Conditions:
DOCK6-related disorder. Also called: DOCK6-related condition.
Inborn genetic diseases. Identifiers: MedGen C0950123, MeSH D030342.

Allele frequency attached by ClinVar (database versions not stated): gnomAD exomes 0.00007 and 0.00008; TOPMed 0.00009; ExAC 0.00012; gnomAD 0.00013 and 0.00014; 1000 Genomes Project 30x 0.00016; ESP Exome Variant Server 0.00016; 1000 Genomes Project 0.00020.
gnomAD v4.1: 130 of 1,613,766 alleles (0.0081%); highest among the groups gnomAD compares: Middle Eastern, 0.066%; no homozygotes.

Submissions (4):

PreventionGenetics, part of Exact Sciences
Classification: Uncertain significance for DOCK6-related condition. Last evaluated: 2025-12-05. Review status: criteria provided, single submitter. Criteria: ACMG Guidelines, 2015. Collection method: clinical testing. Allele origin: germline.
Comment: The DOCK6 c.3532C>T variant is predicted to result in the amino acid substitution p.Arg1178Trp. To our knowledge, this variant has not been reported in the literature. This variant is reported in 0.019% of alleles in individuals of Ashkenazi Jewish descent in gnomAD. At this time, the clinical significance of this variant is uncertain due to the absence of conclusive functional and genetic evidence.

Ambry Genetics
Classification: Uncertain significance for Inborn genetic diseases. Last evaluated: 2025-01-04. Review status: criteria provided, single submitter. Criteria: Ambry Variant Classification Scheme 2023. Collection method: clinical testing. Allele origin: germline.

CeGaT Center for Human Genetics Tuebingen
Classification: Uncertain significance. Last evaluated: 2024-09-01. Review status: criteria provided, single submitter. Criteria: CeGaT Center For Human Genetics Tuebingen Variant Classification Criteria Version 2. Collection method: clinical testing. Allele origin: germline. Affected: yes. Observed: 1 variant allele.
Comment: DOCK6: PM2

Labcorp Genetics (formerly Invitae), Labcorp
Classification: Uncertain significance. Last evaluated: 2022-12-25. Review status: criteria provided, single submitter. Criteria: Invitae Variant Classification Sherloc (09022015). Collection method: clinical testing. Allele origin: germline.
Comment: In summary, the available evidence is currently insufficient to determine the role of this variant in disease. Therefore, it has been classified as a Variant of Uncertain Significance. Advanced modeling of protein sequence and biophysical properties (such as structural, functional, and spatial information, amino acid conservation, physicochemical variation, residue mobility, and thermodynamic stability) performed at Invitae indicates that this missense variant is expected to disrupt DOCK6 protein function. ClinVar contains an entry for this variant (Variation ID: 1519251). This variant has not been reported in the literature in individuals affected with DOCK6-related conditions. This variant is present in population databases (rs375012919, gnomAD 0.02%). This sequence change replaces arginine, which is basic and polar, with tryptophan, which is neutral and slightly polar, at codon 1178 of the DOCK6 protein (p.Arg1178Trp).

NM_020812.4(DOCK6):c.3532C>T (p.Arg1178Trp)

Gene: DOCK6 (dedicator of cytokinesis 6; minus strand). Cytogenetic location: 19p13.2.
Variant type: single nucleotide variant.
Coding change: c.3532C>T on transcript NM_020812.4 (MANE Select); coding-DNA position 3532, C replaced by T.
Protein change: p.Arg1178Trp; replaces arginine 1178 with tryptophan.
Molecular consequence: missense variant.
Genome position (GRCh38, 1-based): chr19:11,221,869, G>A on the plus strand (C>T on the coding strand, the complement: DOCK6 is on the minus strand). VCF-style: chr19-11221869-G-A. GRCh37 (hg19) VCF-style: chr19-11332545-G-A.
Other names: c.3532C>T (NM_020812.2, NM_020812.3); c.3637C>T, p.Arg1213Trp (NM_001367830.1); short protein forms R1178W, R1213W.
Identifiers: ClinVar variation 1519251 (VCV001519251.22), dbSNP rs375012919, ClinGen allele CA9207220.
Genomic context (GRCh38, chr19:11,221,869, plus strand): 5'-GTCCCTGGATCATGTGACCCCATCTTCCCCTGGCCCACTGACCAGCAAAGTCATGCAGCC[G>A]TGGCAAGGTATCCCGTGCAATCGATAGCAGTGGCAGGTACAGCTCGGCCACACGAGCCTT-3'
Protein context (NP_065863.2, residues 1168-1188): LLSIARDTLP[Arg1178Trp]LHDFAEGPGQ